The following is an entry in ClinVar:

ClinVar aggregate classification (germline): Conflicting classifications of pathogenicity. Review status: criteria provided, conflicting classifications (1 of 4 stars). 3 submissions from 3 submitters: Uncertain significance (2); Likely benign (1). Last evaluated 2025-12-24.

Conditions:
Hereditary cancer-predisposing syndrome. Also called: Hereditary Cancer Syndrome; Neoplastic Syndromes, Hereditary; Tumor predisposition; Hereditary neoplastic syndrome. Identifiers: Orphanet 140162, MedGen C0027672, MeSH D009386, MONDO:0015356.
Hereditary breast ovarian cancer syndrome. Also called: Breast and ovarian cancer; Hereditary breast and ovarian cancer; Hereditary breast and ovarian cancer syndrome (HBOC); BRCA1- and BRCA2-Associated Hereditary Breast and Ovarian Cancer; Hereditary breast and ovarian cancer syndrome; Hereditary breast and/or ovarian cancer syndrome. Identifiers: Orphanet 145, MedGen C0677776, MeSH D061325, MONDO:0003582. Disease mechanism: loss of function.

Submissions (3):

Ambry Genetics
Classification: Uncertain significance for Hereditary cancer-predisposing syndrome. Last evaluated: 2025-12-24. Review status: criteria provided, single submitter. Criteria: Ambry Variant Classification Scheme 2023. Collection method: clinical testing. Allele origin: germline.
Comment: The p.Q491H variant (also known as c.1473G>T), located in coding exon 9 of the BRCA1 gene, results from a G to T substitution at nucleotide position 1473. The glutamine at codon 491 is replaced by histidine, an amino acid with highly similar properties. This amino acid position is conserved. In addition, the in silico prediction for this alteration is inconclusive. Based on the available evidence, the clinical significance of this variant remains unclear.

University of Washington Department of Laboratory Medicine, University of Washington
Classification: Likely benign for Hereditary cancer-predisposing syndrome. Last evaluated: 2023-03-23. Review status: criteria provided, single submitter. Criteria: Dines et al. (Genet Med. 2020). Collection method: curation. Allele origin: germline.
Comment: Missense variant in a coldspot region where missense variants are very unlikely to be pathogenic (PMID:31911673).

BRCA1 coldspot (exon 11 using historical exon numbering). Reclassification based on statistical prior probability

Labcorp Genetics (formerly Invitae), Labcorp
Classification: Uncertain significance for Hereditary breast ovarian cancer syndrome. Last evaluated: 2022-01-28. Review status: criteria provided, single submitter. Criteria: Invitae Variant Classification Sherloc (09022015). Collection method: clinical testing. Allele origin: germline.
Comment: In summary, the available evidence is currently insufficient to determine the role of this variant in disease. Therefore, it has been classified as a Variant of Uncertain Significance. Advanced modeling of protein sequence and biophysical properties (such as structural, functional, and spatial information, amino acid conservation, physicochemical variation, residue mobility, and thermodynamic stability) performed at Invitae indicates that this missense variant is not expected to disrupt BRCA1 protein function. ClinVar contains an entry for this variant (Variation ID: 1039566). This variant has not been reported in the literature in individuals affected with BRCA1-related conditions. This variant is not present in population databases (gnomAD no frequency). This sequence change replaces glutamine, which is neutral and polar, with histidine, which is basic and polar, at codon 491 of the BRCA1 protein (p.Gln491His).

NM_007294.4(BRCA1):c.1473G>T (p.Gln491His)

Gene: BRCA1 (BRCA1 DNA repair associated; minus strand). Cytogenetic location: 17q21.31.
Variant type: single nucleotide variant.
Coding change: c.1473G>T on transcript NM_007294.4 (MANE Select); coding-DNA position 1473, G replaced by T.
Protein change: p.Gln491His; replaces glutamine 491 with histidine.
Molecular consequence: missense variant. On other transcripts: intron variant (137).
Genome position (GRCh38, 1-based): chr17:43,094,058, C>A on the plus strand (G>T on the coding strand, the complement: BRCA1 is on the minus strand). VCF-style: chr17-43094058-C-A. GRCh37 (hg19) VCF-style: chr17-41246075-C-A.
Other names: c.1473G>T, p.Gln491His (NM_001407597.1, NM_001407598.1, NM_001407602.1 and 30 more transcripts); c.1470G>T, p.Gln490His (NM_001407610.1, NM_001407611.1, NM_001407627.1 and 22 more transcripts); c.1464G>T, p.Gln488His (NM_001407646.1, NM_001407647.1); c.1350G>T, p.Gln450His (NM_001407648.1, NM_001407664.1, NM_001407665.1 and 19 more transcripts); c.1347G>T, p.Gln449His (NM_001407649.1, NM_001407670.1, NM_001407671.1 and 11 more transcripts); c.1395G>T, p.Gln465His (NM_001407663.1, NM_001407653.1, NM_001407654.1 and 4 more transcripts); c.1332G>T, p.Gln444His (NM_001407727.1, NM_001407728.1, NM_001407729.1 and 29 more transcripts); c.1329G>T, p.Gln443His (NM_001407746.1, NM_001407747.1, NM_001407748.1 and 20 more transcripts); and 40 more; short protein forms Q491H, Q444H, Q195H, Q323H, Q363H, Q379H, Q420H, Q424H.
Identifiers: ClinVar variation 1039566 (VCV001039566.13), dbSNP rs2053933782, ClinGen allele CA10599103.